The following is an entry in ClinVar:

ClinVar aggregate classification (germline): Uncertain significance (1 of 4 stars; one submission).

Submission:

GeneDx
Classification: Uncertain significance. Last evaluated: 2026-03-24. Review status: criteria provided, single submitter. Criteria: GeneDx Variant Classification Process June 2021. Collection method: clinical testing. Allele origin: germline.
Comment: Not observed at significant frequency in large population cohorts (gnomAD); In silico analysis supports that this missense variant has a deleterious effect on protein structure/function; Has not been previously published as pathogenic or benign to our knowledge

NM_000256.3(MYBPC3):c.2995G>A (p.Gly999Ser)

Gene: MYBPC3 (myosin binding protein C3; minus strand). Cytogenetic location: 11p11.2.
Variant type: single nucleotide variant.
Coding change: c.2995G>A on transcript NM_000256.3 (MANE Select); coding-DNA position 2995, G replaced by A.
Protein change: p.Gly999Ser; replaces glycine 999 with serine.
Molecular consequence: missense variant.
Genome position (GRCh38, 1-based): chr11:47,333,752, C>T on the plus strand (G>A on the coding strand, the complement: MYBPC3 is on the minus strand). VCF-style: chr11-47333752-C-T. GRCh37 (hg19) VCF-style: chr11-47355303-C-T.
Other names: short protein forms G999S.
Identifiers: ClinVar variation 5016942 (VCV005016942.1).
Genomic context (GRCh38, chr11:47,333,752, plus strand): 5'-CCTCCTCGCCTGCCAGGGGCTGCCCCTCTTTGGTCCAGGTCACCTGAGGCCGGGGCTTGC[C>T]CTGAGGGGAGGAAAAGCTTAACCCTGAACCTGGATCACTCCAAGGGCCGGCCGCCACCCC-3'
Protein context (NP_000247.2, residues 989-1009): EPVNLLIPFQ[Gly999Ser]KPRPQVTWTK